The following is an entry in ClinVar:

NM_032119.4(ADGRV1):c.8068A>G (p.Thr2690Ala)

Gene: ADGRV1 (adhesion G protein-coupled receptor V1; plus strand). Cytogenetic location: 5q14.3.
Variant type: single nucleotide variant.
Coding change: c.8068A>G on transcript NM_032119.4 (MANE Select); coding-DNA position 8068, A replaced by G.
Protein change: p.Thr2690Ala; replaces threonine 2690 with alanine.
Molecular consequence: missense variant. On other transcripts: non-coding transcript variant (1).
Genome position (GRCh38, 1-based): chr5:90,697,059, A>G. VCF-style: chr5-90697059-A-G. GRCh37 (hg19) VCF-style: chr5-89992876-A-G.
Other names: short protein forms T2690A.
Identifiers: ClinVar variation 904004 (VCV000904004.8), dbSNP rs765530046, ClinGen allele CA3340155.

ClinVar aggregate classification (germline): Conflicting classifications of pathogenicity. Review status: criteria provided, conflicting classifications (1 of 4 stars). 3 submissions from 3 submitters: Uncertain significance (2); Benign (1). Last evaluated 2026-01-26.

Conditions:
Usher syndrome type 2C. Also called: Usher syndrome, type 2B; USHER SYNDROME, TYPE IIC. Identifiers: Orphanet 231178, Orphanet 886, MedGen C2931213, MONDO:0011558, OMIM 605472.

Allele frequency attached by ClinVar (database versions not stated): gnomAD 0.00001; gnomAD exomes 0.00001 and 0.00005; TOPMed 0.00004; ExAC 0.00006.
gnomAD v4.1: 9 of 1,613,404 alleles (0.00056%); highest among the groups gnomAD compares: East Asian, 0.016%; no homozygotes.

Submissions (3):

Labcorp Genetics (formerly Invitae), Labcorp
Classification: Benign. Last evaluated: 2026-01-26. Review status: criteria provided, single submitter. Criteria: Invitae Variant Classification Sherloc (09022015). Collection method: clinical testing. Allele origin: germline.

Women's Health and Genetics/Laboratory Corporation of America, LabCorp
Classification: Uncertain significance. Last evaluated: 2024-06-03. Review status: criteria provided, single submitter. Criteria: LabCorp Variant Classification Summary - May 2015. Collection method: clinical testing. Allele origin: germline.
Comment: Variant summary: ADGRV1 c.8068A>G (p.Thr2690Ala) results in a non-conservative amino acid change in the encoded protein sequence. Four of five in-silico tools predict a damaging effect of the variant on protein function. The variant allele was found at a frequency of 4.8e-05 in 248914 control chromosomes (gnomAD). This frequency is not significantly higher than estimated for a pathogenic variant in ADGRV1 causing ADGRV1-Related Disorders, allowing no conclusion about variant significance. c.8068A>G has been reported in the literature in individuals affected with febrile seizures without strong evidence of causality (Zhou_2022). This report does not provide unequivocal conclusions about association of the variant with ADGRV1-Related Disorders. To our knowledge, no experimental evidence demonstrating an impact on protein function has been reported. The following publication has been ascertained in the context of this evaluation (PMID: 35813073). ClinVar contains an entry for this variant (Variation ID: 904004). Based on the evidence outlined above, the variant was classified as uncertain significance.

Illumina Laboratory Services, Illumina
Classification: Uncertain significance for Usher syndrome type 2C. Last evaluated: 2018-01-12. Review status: criteria provided, single submitter. Criteria: ICSL Variant Classification Criteria 13 December 2019. Collection method: clinical testing. Allele origin: germline.

Literature cited by the submitters: PubMed 35813073 (cited by Women's Health and Genetics/Laboratory Corporation of America, LabCorp).